The following is an entry in ClinVar:

ClinVar aggregate classification (germline): Uncertain significance. Review status: criteria provided, multiple submitters, no conflicts (2 of 4 stars). 3 submissions from 3 submitters: Uncertain significance (3). Last evaluated 2023-07-12.

Conditions:
Inborn genetic diseases. Identifiers: MedGen C0950123, MeSH D030342.
Nance-Horan syndrome (NHS). Identifiers: Orphanet 627, MedGen C0796085, MONDO:0010545, OMIM 302350.

Allele frequency attached by ClinVar (database versions not stated): TOPMed 0.00001; gnomAD exomes 0.00002; ExAC 0.00005.
gnomAD v4.1: 7 of 1,178,466 alleles (0.00059%); highest among the groups gnomAD compares: Admixed American, 0.0023%; no homozygotes.

Submissions (3):

Labcorp Genetics (formerly Invitae), Labcorp
Classification: Uncertain significance for Nance-Horan syndrome. Last evaluated: 2023-07-12. Review status: criteria provided, single submitter. Criteria: Invitae Variant Classification Sherloc (09022015). Collection method: clinical testing. Allele origin: germline.
Comment: In summary, the available evidence is currently insufficient to determine the role of this variant in disease. Therefore, it has been classified as a Variant of Uncertain Significance. An algorithm developed to predict the effect of missense changes on protein structure and function (PolyPhen-2) suggests that this variant is likely to be disruptive. ClinVar contains an entry for this variant (Variation ID: 1193580). This variant has not been reported in the literature in individuals affected with NHS-related conditions. The frequency data for this variant in the population databases is considered unreliable, as metrics indicate poor data quality at this position in the gnomAD database. This sequence change replaces arginine, which is basic and polar, with cysteine, which is neutral and slightly polar, at codon 162 of the NHS protein (p.Arg162Cys).

Ambry Genetics
Classification: Uncertain significance for Inborn genetic diseases. Last evaluated: 2023-05-01. Review status: criteria provided, single submitter. Criteria: Ambry Variant Classification Scheme 2023. Collection method: clinical testing. Allele origin: germline.

GeneDx
Classification: Uncertain significance. Last evaluated: 2020-10-19. Review status: criteria provided, single submitter. Criteria: GeneDx Variant Classification Process June 2021. Collection method: clinical testing. Allele origin: germline. Affected: yes.
Comment: In silico analysis supports that this missense variant does not alter protein structure/function; Has not been previously published as pathogenic or benign to our knowledge

NM_001291867.2(NHS):c.484C>T (p.Arg162Cys)

Gene: NHS (NHS actin remodeling regulator; plus strand). Cytogenetic location: Xp22.2.
Variant type: single nucleotide variant.
Coding change: c.484C>T on transcript NM_001291867.2 (MANE Select); coding-DNA position 484, C replaced by T.
Protein change: p.Arg162Cys; replaces arginine 162 with cysteine.
Molecular consequence: missense variant.
Genome position (GRCh38, 1-based): chrX:17,376,241, C>T. VCF-style: chrX-17376241-C-T. GRCh37 (hg19) VCF-style: chrX-17394364-C-T.
Other names: c.484C>T, p.Arg162Cys (NM_198270.4); short protein forms R162C.
Identifiers: ClinVar variation 1193580 (VCV001193580.7), dbSNP rs745648326, ClinGen allele CA10358453.